The following is an entry in ClinVar:

NM_017849.4(TMEM127):c.354G>A (p.Pro118=)

Gene: TMEM127 (transmembrane protein 127; minus strand). Cytogenetic location: 2q11.2.
Variant type: single nucleotide variant.
Coding change: c.354G>A on transcript NM_017849.4 (MANE Select); coding-DNA position 354, G replaced by A.
Protein change: p.Pro118=; no amino-acid change (proline 118 retained).
Molecular consequence: synonymous variant.
Genome position (GRCh38, 1-based): chr2:96,254,888, C>T on the plus strand (G>A on the coding strand, the complement: TMEM127 is on the minus strand). VCF-style: chr2-96254888-C-T. GRCh37 (hg19) VCF-style: chr2-96920626-C-T.
Other names: c.354G>A, p.Pro118= (NM_001193304.3).
Identifiers: ClinVar variation 728640 (VCV000728640.16), dbSNP rs1392614291, ClinGen allele CA427495434.
Genomic context (GRCh38, chr2:96,254,888, plus strand): 5'-CTTACCCGTTAGGATATGGGCGAAGGCATAGCGACGAGTGATCTTCAGAGCAGGATGCTT[C>T]GGCCCAAAGACATCCAGAAGGAAAGCGGAGAGACTACACAGGATGCCCAGGAAACAGAAG-3'
Protein context (NP_060319.1, residues 108-128): LSAFLLDVFG[Pro118=]KHPALKITRR

ClinVar aggregate classification (germline): Conflicting classifications of pathogenicity. Review status: criteria provided, conflicting classifications (1 of 4 stars). 5 submissions from 5 submitters: Uncertain significance (2); Benign (1); Likely benign (2). Last evaluated 2026-07-30.

Conditions:
Hereditary pheochromocytoma and paraganglioma. Also called: Hereditary pheochromocytoma-paraganglioma; Hereditary paragangliomas and pheochromocytomas; Hereditary Paraganglioma-Pheochromocytoma Syndromes. Identifiers: Orphanet 29072, MedGen C4274332, MONDO:0017366.
Hereditary cancer-predisposing syndrome. Also called: Hereditary neoplastic syndrome; Neoplastic Syndromes, Hereditary; Tumor predisposition; Hereditary Cancer Syndrome. Identifiers: Orphanet 140162, MedGen C0027672, MeSH D009386, MONDO:0015356.

Allele frequency attached by ClinVar (database versions not stated): gnomAD 0.00001; gnomAD exomes 0.00001; TOPMed 0.00001.

Submissions (5):

Myriad Genetics, Inc.
Classification: Benign for Hereditary pheochromocytoma and paraganglioma. Last evaluated: 2026-07-30. Review status: criteria provided, single submitter. Criteria: Myriad Autosomal Dominant, Autosomal Recessive and X-Linked Classification Criteria (2023). Collection method: clinical testing. Allele origin: unknown.
Comment: This variant is considered benign. This variant is a silent/synonymous amino acid change and it is not expected to impact splicing.

Labcorp Genetics (formerly Invitae), Labcorp
Classification: Likely benign for Hereditary pheochromocytoma and paraganglioma. Last evaluated: 2026-01-30. Review status: criteria provided, single submitter. Criteria: Invitae Variant Classification Sherloc (09022015). Collection method: clinical testing. Allele origin: germline.

Quest Diagnostics Nichols Institute San Juan Capistrano
Classification: Uncertain significance. Last evaluated: 2025-04-11. Review status: criteria provided, single submitter. Criteria: Quest Diagnostics criteria. Collection method: clinical testing. Allele origin: unknown.
Comment: The TMEM127 c.354G>A (p.Pro118=) synonymous variant has not been reported in individuals with TMEM127-related conditions in the published literature. The frequency of this variant in the general population (Genome Aggregation Database) is uninformative in the assessment of its pathogenicity. Analysis of this variant using software algorithms for the prediction of the effect of nucleotide changes on splicing yielded predictions that this variant does not affect TMEM127 mRNA splicing. Based on the available information, we are unable to determine the clinical significance of this variant.

Sema4
Classification: Uncertain significance for Hereditary cancer-predisposing syndrome. Last evaluated: 2021-09-16. Review status: criteria provided, single submitter. Criteria: Sema4 Curation Guidelines. Collection method: curation. Allele origin: germline.
Comment: The TMEM127 c.354G>A (p.P118=) variant has not been reported in the literature to our knowledge. It was observed in 2/251454 chromosomes in the Genome Aggregation Database (PMID: 32461654). The variant has been reported in ClinVar (Variation ID: 728640). This variant involves a highly conserved nucleotide, and computational analyses suggest that the variant does not impact mRNA splicing, though these predictions have not been confirmed by published functional studies. The evidence is insufficient to meet ACMG/AMP criteria for classifying the variant as benign or pathogenic. Thus, the clinical significance of this variant is currently uncertain.

Ambry Genetics
Classification: Likely benign for Hereditary cancer-predisposing syndrome. Last evaluated: 2021-04-30. Review status: criteria provided, single submitter. Criteria: Ambry Variant Classification Scheme 2023. Collection method: clinical testing. Allele origin: germline.